The following is an entry in ClinVar:

NM_020693.4(DSCAML1):c.905C>T (p.Ser302Leu)

Gene: DSCAML1 (DS cell adhesion molecule like 1; minus strand). Cytogenetic location: 11q23.3.
Variant type: single nucleotide variant.
Coding change: c.905C>T on transcript NM_020693.4 (MANE Select); coding-DNA position 905, C replaced by T.
Protein change: p.Ser302Leu; replaces serine 302 with leucine.
Molecular consequence: missense variant.
Genome position (GRCh38, 1-based): chr11:117,524,837, G>A on the plus strand (C>T on the coding strand, the complement: DSCAML1 is on the minus strand). VCF-style: chr11-117524837-G-A. GRCh37 (hg19) VCF-style: chr11-117395552-G-A.
Other names: c.905C>T, p.Ser302Leu (NM_001367904.1); c.497C>T, p.Ser166Leu (NM_001367905.1); short protein forms S166L, S302L.
Identifiers: ClinVar variation 3708353 (VCV003708353.2).

ClinVar aggregate classification (germline): Uncertain significance (1 of 4 stars; one submission).

gnomAD v4.1: 18 of 1,591,434 alleles (0.0011%); highest among the groups gnomAD compares: East Asian, 0.018%; no homozygotes.

Submission:

Labcorp Genetics (formerly Invitae), Labcorp
Classification: Uncertain significance. Last evaluated: 2024-09-16. Review status: criteria provided, single submitter. Criteria: Invitae Variant Classification Sherloc (09022015). Collection method: clinical testing. Allele origin: germline.
Comment: This sequence change replaces serine, which is neutral and polar, with leucine, which is neutral and non-polar, at codon 362 of the DSCAML1 protein (p.Ser362Leu). The frequency data for this variant in the population databases is considered unreliable, as metrics indicate poor data quality at this position in the gnomAD database. This variant has not been reported in the literature in individuals affected with DSCAML1-related conditions. An algorithm developed to predict the effect of missense changes on protein structure and function (PolyPhen-2) suggests that this variant is likely to be tolerated. In summary, the available evidence is currently insufficient to determine the role of this variant in disease. Therefore, it has been classified as a Variant of Uncertain Significance.